The following is an entry in ClinVar:

NM_000548.5(TSC2):c.1757T>C (p.Val586Ala)

Gene: TSC2 (TSC complex subunit 2; plus strand). Cytogenetic location: 16p13.3.
Variant type: single nucleotide variant.
Coding change: c.1757T>C on transcript NM_000548.5 (MANE Select); coding-DNA position 1757, T replaced by C.
Protein change: p.Val586Ala; replaces valine 586 with alanine.
Molecular consequence: missense variant.
Genome position (GRCh38, 1-based): chr16:2,070,496, T>C. VCF-style: chr16-2070496-T-C. GRCh37 (hg19) VCF-style: chr16-2120497-T-C.
Other names: c.1757T>C, p.Val586Ala (NM_001077183.3, NM_001114382.3, NM_001363528.2 and 3 more transcripts); c.1646T>C, p.Val549Ala (NM_001318827.2); c.1610T>C, p.Val537Ala (NM_001318829.2); c.1157T>C, p.Val386Ala (NM_001318831.2); c.1790T>C, p.Val597Ala (NM_001318832.2); short protein forms V597A, V549A, V386A, V537A, V586A.
Identifiers: ClinVar variation 836342 (VCV000836342.13), dbSNP rs2088127954, ClinGen allele CA394272828.
Genomic context (GRCh38, chr16:2,070,496, plus strand): 5'-GCTGCGTCCTCTCTCTGCAGACCAAGCTGTACACCCTGCCTGCAAGCCACGCCACGCGTG[T>C]GTATGAGATGCTGGTCAGCCACATTCAGCTCCACTACAAGCACAGCTACACCCTGCCAAT-3'
Protein context (NP_000539.2, residues 576-596): YTLPASHATR[Val586Ala]YEMLVSHIQL

ClinVar aggregate classification (germline): Uncertain significance. Review status: criteria provided, multiple submitters, no conflicts (2 of 4 stars). 3 submissions from 3 submitters: Uncertain significance (3). Last evaluated 2024-09-04.

Conditions:
Hereditary cancer-predisposing syndrome. Also called: Neoplastic Syndromes, Hereditary; Hereditary neoplastic syndrome; Tumor predisposition; Hereditary Cancer Syndrome. Identifiers: Orphanet 140162, MedGen C0027672, MeSH D009386, MONDO:0015356.
Tuberous sclerosis 2 (TSC2). Identifiers: Orphanet 805, MedGen C1860707, MONDO:0013199, OMIM 613254.

Submissions (3):

GeneDx
Classification: Uncertain significance. Last evaluated: 2024-09-04. Review status: criteria provided, single submitter. Criteria: GeneDx Variant Classification Process June 2021. Collection method: clinical testing. Allele origin: germline. Affected: yes.
Comment: Not observed at significant frequency in large population cohorts (gnomAD); In silico analysis supports that this missense variant has a deleterious effect on protein structure/function; Has not been previously published as pathogenic or benign to our knowledge

Ambry Genetics
Classification: Uncertain significance for Hereditary cancer-predisposing syndrome. Last evaluated: 2022-09-30. Review status: criteria provided, single submitter. Criteria: Ambry Variant Classification Scheme 2023. Collection method: clinical testing. Allele origin: germline.
Comment: The p.V586A variant (also known as c.1757T>C), located in coding exon 16 of the TSC2 gene, results from a T to C substitution at nucleotide position 1757. The valine at codon 586 is replaced by alanine, an amino acid with similar properties. This amino acid position is conserved. In addition, this alteration is predicted to be deleterious by in silico analysis. Since supporting evidence is limited at this time, the clinical significance of this alteration remains unclear.

Labcorp Genetics (formerly Invitae), Labcorp
Classification: Uncertain significance for Tuberous sclerosis 2. Last evaluated: 2020-11-25. Review status: criteria provided, single submitter. Criteria: Invitae Variant Classification Sherloc (09022015). Collection method: clinical testing. Allele origin: germline.
Comment: This sequence change replaces valine with alanine at codon 586 of the TSC2 protein (p.Val586Ala). The valine residue is highly conserved and there is a small physicochemical difference between valine and alanine. In summary, the available evidence is currently insufficient to determine the role of this variant in disease. Therefore, it has been classified as a Variant of Uncertain Significance. Algorithms developed to predict the effect of missense changes on protein structure and function (SIFT, PolyPhen-2, Align-GVGD) all suggest that this variant is likely to be disruptive, but these predictions have not been confirmed by published functional studies and their clinical significance is uncertain. This variant has not been reported in the literature in individuals with TSC2-related conditions. This variant is not present in population databases (ExAC no frequency).